The following is an entry in ClinVar:

ClinVar aggregate classification (germline): Uncertain significance (0 of 4 stars; one submission).

Submission:

Greenwood Genetic Center Diagnostic Laboratories, Greenwood Genetic Center
Classification: Uncertain significance. Last evaluated: 2021-11-10. Review status: no assertion criteria provided. Collection method: clinical testing. Allele origin: germline. Affected: yes.
Comment: Gene of uncertain significance

NM_001003699.4(RREB1):c.3695_3696dup (p.Arg1233Ter)

Gene: RREB1 (ras responsive element binding protein 1; plus strand). Cytogenetic location: 6p24.3.
Variant type: Duplication.
Coding change: c.3695_3696dup on transcript NM_001003699.4 (MANE Select); coding-DNA positions 3695 to 3696, 2 bases duplicated (TG; older notation c.3695_3696dupTG).
Protein change: p.Arg1233Ter; replaces arginine 1233 with a stop codon.
Molecular consequence: nonsense.
Genome position (GRCh38, 1-based): chr6:7,231,794-7,231,795, TG duplicated. VCF-style (leftmost placement, unchanged base first): chr6-7231793-C-CTG. GRCh37 (hg19) VCF-style: chr6-7232026-C-CTG.
Other names: c.3695_3696dup, p.Arg1233Ter (NM_001003698.4, NM_001003700.2, NM_001168344.2); short protein forms R1233*.
Identifiers: ClinVar variation 1334647 (VCV001334647.4), dbSNP rs2113124354, ClinGen allele CA2573052730.